The following is an entry in ClinVar:

ClinVar aggregate classification (germline): Uncertain significance (1 of 4 stars; one submission).

Submission:

GeneDx
Classification: Uncertain significance. Last evaluated: 2023-03-10. Review status: criteria provided, single submitter. Criteria: GeneDx Variant Classification Process June 2021. Collection method: clinical testing. Allele origin: germline. Affected: yes.
Comment: Not observed at significant frequency in large population cohorts (gnomAD); In silico analysis supports that this missense variant does not alter protein structure/function; Has not been previously published as pathogenic or benign to our knowledge

NM_005121.3(MED13):c.5116A>T (p.Ile1706Phe)

Gene: MED13 (mediator complex subunit 13; minus strand). Cytogenetic location: 17q23.2.
Variant type: single nucleotide variant.
Coding change: c.5116A>T on transcript NM_005121.3 (MANE Select); coding-DNA position 5116, A replaced by T.
Protein change: p.Ile1706Phe; replaces isoleucine 1706 with phenylalanine.
Molecular consequence: missense variant.
Genome position (GRCh38, 1-based): chr17:61,961,728, T>A on the plus strand (A>T on the coding strand, the complement: MED13 is on the minus strand). VCF-style: chr17-61961728-T-A. GRCh37 (hg19) VCF-style: chr17-60039089-T-A.
Other names: short protein forms I1706F.
Identifiers: ClinVar variation 2579488 (VCV002579488.1), dbSNP rs2509231670, ClinGen allele CA400511542.